The following is an entry in ClinVar:

ClinVar aggregate classification (germline): Pathogenic (1 of 4 stars; one submission).

Conditions:
Joubert syndrome. Also called: CEREBELLOPARENCHYMAL DISORDER IV; JOUBERT-BOLTSHAUSER SYNDROME; Familial aplasia of the vermis. Identifiers: Orphanet 475, MedGen C5979921, MONDO:0018772.
Nephronophthisis. Also called: Juvenile Nephronophthisis. Identifiers: Orphanet 655, MedGen C0687120, MONDO:0019005, HP:0000090.
Meckel-Gruber syndrome. Also called: DYSENCEPHALIA SPLANCHNOCYSTICA; GRUBER SYNDROME; Dysencephalia splachnocystica. Identifiers: Orphanet 564, MedGen C0265215, MONDO:0018921.

Submission:

Labcorp Genetics (formerly Invitae), Labcorp
Classification: Pathogenic for Joubert syndrome; Meckel-Gruber syndrome; Nephronophthisis. Last evaluated: 2023-09-03. Review status: criteria provided, single submitter. Criteria: Invitae Variant Classification Sherloc (09022015). Collection method: clinical testing. Allele origin: germline.
Comment: For these reasons, this variant has been classified as Pathogenic. This variant has not been reported in the literature in individuals affected with CEP290-related conditions. This variant is not present in population databases (gnomAD no frequency). This sequence change creates a premature translational stop signal (p.Cys934Phefs*5) in the CEP290 gene. It is expected to result in an absent or disrupted protein product. Loss-of-function variants in CEP290 are known to be pathogenic (PMID: 16909394, 17345604, 20690115).

Literature cited by the submitters: PubMed 16909394; PubMed 17345604; PubMed 20690115.

NM_025114.4(CEP290):c.2801_2802del (p.Cys934fs)

Gene: CEP290 (centrosomal protein 290; minus strand). Cytogenetic location: 12q21.32.
Variant type: Microsatellite.
Coding change: c.2801_2802del on transcript NM_025114.4 (MANE Select); coding-DNA positions 2801 to 2802, 2 bases deleted (GT; older notation c.2801_2802delGT).
Protein change: p.Cys934fs; shifts the reading frame from cysteine 934.
Molecular consequence: frameshift variant.
Genome position (GRCh38, 1-based): chr12:88,106,690-88,106,691, AC deleted on the plus strand (GT on the coding strand, the reverse complement: CEP290 is on the minus strand); deleting any 2 consecutive bases within chr12:88,106,690-88,106,693 gives the same sequence; the c. name uses the placement nearest the transcript's 3' end. VCF-style (leftmost placement, unchanged base first): chr12-88106689-AAC-A. GRCh37 (hg19) VCF-style: chr12-88500466-AAC-A.
Other names: short protein forms C934fs.
Identifiers: ClinVar variation 2951567 (VCV002951567.3), dbSNP rs2500613030, ClinGen allele CA2740092483.